The following is an entry in ClinVar:

NM_000186.4(CFH):c.2783-13_2783-12insA

Gene: CFH (complement factor H; plus strand). Cytogenetic location: 1q31.3.
Variant type: Insertion.
Coding change: c.2783-13_2783-12insA on transcript NM_000186.4 (MANE Select); 13 bases into the intron before coding-DNA position 2783 through 12 bases into the intron before coding-DNA position 2783, A inserted.
Molecular consequence: intron variant.
Genome position: GRCh38 VCF-style: chr1-196740606-C-CA. GRCh37 (hg19) VCF-style: chr1-196709736-C-CA.
Identifiers: ClinVar variation 1903683 (VCV001903683.5), dbSNP rs2529541229, ClinGen allele CA2573972875.

ClinVar aggregate classification (germline): Uncertain significance (1 of 4 stars; one submission).

Allele frequency attached by ClinVar (database versions not stated): gnomAD exomes below 0.00001.

Submission:

Labcorp Genetics (formerly Invitae), Labcorp
Classification: Uncertain significance. Last evaluated: 2022-05-04. Review status: criteria provided, single submitter. Criteria: Invitae Variant Classification Sherloc (09022015). Collection method: clinical testing. Allele origin: germline.
Comment: This sequence change falls in intron 17 of the CFH gene. It does not directly change the encoded amino acid sequence of the CFH protein. This variant is not present in population databases (gnomAD no frequency). This variant has not been reported in the literature in individuals affected with CFH-related conditions. Algorithms developed to predict the effect of sequence changes on RNA splicing suggest that this variant may disrupt the consensus splice site. In summary, the available evidence is currently insufficient to determine the role of this variant in disease. Therefore, it has been classified as a Variant of Uncertain Significance.